The following is an entry in ClinVar:

NM_001458.5(FLNC):c.4420C>T (p.Arg1474Trp)

Gene: FLNC (filamin C; plus strand). Cytogenetic location: 7q32.1.
Variant type: single nucleotide variant.
Coding change: c.4420C>T on transcript NM_001458.5 (MANE Select); coding-DNA position 4420, C replaced by T.
Protein change: p.Arg1474Trp; replaces arginine 1474 with tryptophan.
Molecular consequence: missense variant.
Genome position (GRCh38, 1-based): chr7:128,847,828, C>T. VCF-style: chr7-128847828-C-T. GRCh37 (hg19) VCF-style: chr7-128487882-C-T.
Other names: c.4420C>T, p.Arg1474Trp (NM_001127487.2); short protein forms R1474W.
Identifiers: ClinVar variation 452999 (VCV000452999.56), dbSNP rs372454458, ClinGen allele CA4475327.
Genomic context (GRCh38, chr7:128,847,828, plus strand): 5'-GGGGCTGGTGTCAGGGCCCGGGTTCCTCAGACCTTCACAGTGGATTGCAGTCAAGCTGGC[C>T]GGGCGCCCCTGCAGGTGGCTGTGCTGGGCCCCACAGGTATAGAATGGCCGGGGCAGGGAG-3'
Protein context (NP_001449.3, residues 1464-1484): TFTVDCSQAG[Arg1474Trp]APLQVAVLGP

ClinVar aggregate classification (germline): Conflicting classifications of pathogenicity. Review status: criteria provided, conflicting classifications (1 of 4 stars). 8 submissions from 8 submitters: Uncertain significance (6); Likely benign (2). Last evaluated 2026-03-23.

Conditions:
Cardiovascular phenotype. Identifiers: MedGen CN230736.
Cardiomyopathy (CMYO). Also called: Cardiomyopathies. Identifiers: Orphanet 167848, MedGen C0878544, MONDO:0004994, HP:0001638. Inheritance: Various modes of inheritance.
Myofibrillar myopathy 5. Also called: Filaminopathy (type); FILAMINOPATHY, AUTOSOMAL DOMINANT. Identifiers: Orphanet 171445, MedGen C1836050, MONDO:0012289, OMIM 609524.
Hypertrophic cardiomyopathy 26. Also called: Cardiomyopathy, familial hypertrophic, 26. Identifiers: Orphanet 75249, MedGen C4310749, MONDO:0014883, OMIM 617047.
Distal myopathy with posterior leg and anterior hand involvement. Also called: WILLIAMS DISTAL MYOPATHY. Identifiers: Orphanet 63273, MedGen C3279722, MONDO:0013550, OMIM 614065.
FLNC-related disorder. Also called: FLNC-related disorders; FLNC-related condition.

Allele frequency attached by ClinVar (database versions not stated): TOPMed 0.00003; ExAC 0.00006; ESP Exome Variant Server 0.00008; gnomAD 0.00003; gnomAD exomes 0.00003.
gnomAD v4.1: 80 of 1,613,442 alleles (0.005%); highest among the groups gnomAD compares: Non-Finnish European, 0.0061%; no homozygotes.

Submissions (8):

PreventionGenetics, part of Exact Sciences
Classification: Uncertain significance for FLNC-related condition. Last evaluated: 2026-03-23. Review status: criteria provided, single submitter. Criteria: ACMG Guidelines, 2015. Collection method: clinical testing. Allele origin: germline.
Comment: The FLNC c.4420C>T variant is predicted to result in the amino acid substitution p.Arg1474Trp. This amino acid alteration has been reported as uncertain in a hypertrophic cardiomyopathy cohort, but clinical details were limited (Table S2, Bonaventura et al. 2024. PubMed ID: 38757491). This variant is reported in 0.010% of alleles in individuals of Ashkenazi Jewish descent in gnomAD. At this time, the clinical significance of this variant is uncertain due to the absence of conclusive functional and genetic evidence.

Labcorp Genetics (formerly Invitae), Labcorp
Classification: Likely benign for Distal myopathy with posterior leg and anterior hand involvement; Myofibrillar myopathy 5; Hypertrophic cardiomyopathy 26. Last evaluated: 2026-01-19. Review status: criteria provided, single submitter. Criteria: Invitae Variant Classification Sherloc (09022015). Collection method: clinical testing. Allele origin: germline.

Ambry Genetics
Classification: Uncertain significance for Cardiovascular phenotype. Last evaluated: 2024-10-15. Review status: criteria provided, single submitter. Criteria: Ambry Variant Classification Scheme 2023. Collection method: clinical testing. Allele origin: germline.
Comment: The p.R1474W variant (also known as c.4420C>T), located in coding exon 25 of the FLNC gene, results from a C to T substitution at nucleotide position 4420. The arginine at codon 1474 is replaced by tryptophan, an amino acid with dissimilar properties. This variant has been reported in a hypertrophic cardiomyopathy cohort, but clinical details were limited (Bonaventura J et al. J Am Heart Assoc. 2024 May;13(10):e033565). This amino acid position is not well conserved in available vertebrate species. In addition, this alteration is predicted to be tolerated by in silico analysis. Since supporting evidence is limited at this time, the clinical significance of this alteration remains unclear.

Revvity Omics, Revvity
Classification: Uncertain significance. Last evaluated: 2023-07-17. Review status: criteria provided, single submitter. Criteria: ACMG Guidelines, 2015. Collection method: clinical testing. Allele origin: germline.

CHEO Genetics Diagnostic Laboratory, Children's Hospital of Eastern Ontario
Classification: Uncertain significance for Cardiomyopathy. Last evaluated: 2023-05-03. Review status: criteria provided, single submitter. Criteria: ACMG Guidelines, 2015. Collection method: clinical testing. Allele origin: germline.

Blueprint Genetics
Classification: Likely benign. Last evaluated: 2022-12-01. Review status: criteria provided, single submitter. Criteria: ACMG Guidelines, 2015. Collection method: clinical testing. Allele origin: germline.

GeneDx
Classification: Uncertain significance. Last evaluated: 2017-10-27. Review status: criteria provided, single submitter. Criteria: GeneDx Variant Classification (06012015). Collection method: clinical testing. Allele origin: germline. Affected: yes.
Comment: The R1474W variant has not been published as a pathogenic variant, nor has it been reported as a benign variant to our knowledge. The R1474W variant is observed in 1/9,826 (0.01%) alleles from individuals of Ashkenazi Jewish background (Lek et al., 2016). This variant is a non-conservative amino acid substitution, which is likely to impact secondary protein structure as these residues differ in polarity, charge, size and/or other properties. This substitution occurs at a position that is conserved in mammals. In silico analysis is inconsistent in its predictions as to whether or not the variant is damaging to the protein structure/function.

CeGaT Center for Human Genetics Tuebingen
Classification: Uncertain significance. Last evaluated: 2016-05-01. Review status: criteria provided, single submitter. Criteria: CeGaT Center For Human Genetics Tuebingen Variant Classification Criteria Version 2. Collection method: clinical testing. Allele origin: germline. Affected: yes. Observed: 1 variant allele.

Literature cited by the submitters: PubMed 38757491 (cited by Ambry Genetics).